The following is an entry in ClinVar:

NM_176824.3(BBS7):c.1512-1G>A

Gene: BBS7 (Bardet-Biedl syndrome 7; minus strand). Cytogenetic location: 4q27.
Variant type: single nucleotide variant.
Coding change: c.1512-1G>A on transcript NM_176824.3 (MANE Select); the canonical splice acceptor site of the intron before coding-DNA position 1512, G replaced by A.
Molecular consequence: splice acceptor variant.
Genome position (GRCh38, 1-based): chr4:121,833,396, C>T on the plus strand (G>A on the coding strand, the complement: BBS7 is on the minus strand). VCF-style: chr4-121833396-C-T. GRCh37 (hg19) VCF-style: chr4-122754551-C-T.
Other names: c.1512-1G>A (NM_018190.4).
Identifiers: ClinVar variation 1067026 (VCV001067026.6), dbSNP rs2149054421, ClinGen allele CA358058191.

ClinVar aggregate classification (germline): Likely pathogenic. Review status: criteria provided, multiple submitters, no conflicts (2 of 4 stars). 2 submissions from 2 submitters: Likely pathogenic (2). Last evaluated 2023-09-19.

Conditions:
Bardet-Biedl syndrome (BBS). Identifiers: Orphanet 110, MedGen C0752166, MONDO:0015229.
Bardet-Biedl syndrome 7 (BBS7). Identifiers: Orphanet 110, MedGen C1859565, MONDO:0014435, OMIM 615984.

Submissions (2):

Baylor Genetics
Classification: Likely pathogenic for Bardet-Biedl syndrome 7. Last evaluated: 2023-09-19. Review status: criteria provided, single submitter. Criteria: ACMG Guidelines, 2015. Collection method: clinical testing. Allele origin: unknown.

Labcorp Genetics (formerly Invitae), Labcorp
Classification: Likely pathogenic for Bardet-Biedl syndrome. Last evaluated: 2022-08-31. Review status: criteria provided, single submitter. Criteria: Invitae Variant Classification Sherloc (09022015). Collection method: clinical testing. Allele origin: germline.
Comment: In summary, the currently available evidence indicates that the variant is pathogenic, but additional data are needed to prove that conclusively. Therefore, this variant has been classified as Likely Pathogenic. Algorithms developed to predict the effect of sequence changes on RNA splicing suggest that this variant may disrupt the consensus splice site. ClinVar contains an entry for this variant (Variation ID: 1067026). This variant has not been reported in the literature in individuals affected with BBS7-related conditions. This variant is not present in population databases (gnomAD no frequency). This sequence change affects an acceptor splice site in intron 14 of the BBS7 gene. It is expected to disrupt RNA splicing. Variants that disrupt the donor or acceptor splice site typically lead to a loss of protein function (PMID: 16199547), and loss-of-function variants in BBS7 are known to be pathogenic (PMID: 12567324, 19402160, 21209035, 31196119).

Literature cited by the submitters: PubMed 16199547 (cited by Labcorp Genetics (formerly Invitae), Labcorp); PubMed 12567324 (cited by Labcorp Genetics (formerly Invitae), Labcorp); PubMed 19402160 (cited by Labcorp Genetics (formerly Invitae), Labcorp); PubMed 21209035 (cited by Labcorp Genetics (formerly Invitae), Labcorp); PubMed 31196119 (cited by Labcorp Genetics (formerly Invitae), Labcorp).